The following is an entry in ClinVar:

ClinVar aggregate classification (germline): Uncertain significance. Review status: criteria provided, multiple submitters, no conflicts (2 of 4 stars). 3 submissions from 3 submitters: Uncertain significance (3). Last evaluated 2025-09-16.

Conditions:
Hereditary cancer-predisposing syndrome. Also called: Hereditary neoplastic syndrome; Neoplastic Syndromes, Hereditary; Hereditary Cancer Syndrome; Tumor predisposition. Identifiers: Orphanet 140162, MedGen C0027672, MeSH D009386, MONDO:0015356.
Familial cancer of breast. Also called: BREAST CANCER, FAMILIAL; Hereditary breast cancer; hereditary breast carcinoma. Identifiers: Orphanet 227535, MedGen C0346153, MONDO:0016419, OMIM 114480. Disease mechanism: loss of function.

Allele frequency attached by ClinVar (database versions not stated): TOPMed below 0.00001.

Submissions (3):

Color Diagnostics, LLC DBA Color Health
Classification: Uncertain significance for Hereditary cancer-predisposing syndrome. Last evaluated: 2025-09-16. Review status: criteria provided, single submitter. Criteria: ACMG Guidelines, 2015. Collection method: clinical testing. Allele origin: germline.
Comment: This missense variant replaces leucine with valine at codon 176 of the PALB2 protein. Computational prediction suggests that this variant may not impact protein structure and function. To our knowledge, functional studies have not been reported for this variant. This variant has not been reported in individuals affected with PALB2-related disorders in the literature. This variant has been reported in an individual affected with hepatocellular carcinoma (PMID: 38981878). This variant has been identified in 1/251450 chromosomes in the general population by the Genome Aggregation Database (gnomAD). The available evidence is insufficient to determine the role of this variant in disease conclusively. Therefore, this variant is classified as a Variant of Uncertain Significance.

Ambry Genetics
Classification: Uncertain significance for Hereditary cancer-predisposing syndrome. Last evaluated: 2022-11-18. Review status: criteria provided, single submitter. Criteria: Ambry Variant Classification Scheme 2023. Collection method: clinical testing. Allele origin: germline.
Comment: The p.L176V variant (also known as c.526C>G), located in coding exon 4 of the PALB2 gene, results from a C to G substitution at nucleotide position 526. The leucine at codon 176 is replaced by valine, an amino acid with highly similar properties. This amino acid position is conserved. In addition, this alteration is predicted to be tolerated by in silico analysis. Since supporting evidence is limited at this time, the clinical significance of this alteration remains unclear.

Labcorp Genetics (formerly Invitae), Labcorp
Classification: Uncertain significance for Familial cancer of breast. Last evaluated: 2017-12-20. Review status: criteria provided, single submitter. Criteria: Invitae Variant Classification Sherloc (09022015). Collection method: clinical testing. Allele origin: germline.
Comment: In summary, the available evidence is currently insufficient to determine the role of this variant in disease. Therefore, it has been classified as a Variant of Uncertain Significance. Algorithms developed to predict the effect of missense changes on protein structure and function (SIFT, PolyPhen-2, Align-GVGD) all suggest that this variant is likely to be tolerated, but these predictions have not been confirmed by published functional studies and their clinical significance is uncertain. This variant has not been reported in the literature in individuals with PALB2-related disease. This variant is not present in population databases (ExAC no frequency). This sequence change replaces leucine with valine at codon 176 of the PALB2 protein (p.Leu176Val). The leucine residue is moderately conserved and there is a small physicochemical difference between leucine and valine.

Literature cited by the submitters: PubMed 38981878 (cited by Color Diagnostics, LLC DBA Color Health).

NM_024675.4(PALB2):c.526C>G (p.Leu176Val)

Gene: PALB2 (partner and localizer of BRCA2; minus strand). Cytogenetic location: 16p12.2.
Variant type: single nucleotide variant.
Coding change: c.526C>G on transcript NM_024675.4 (MANE Select); coding-DNA position 526, C replaced by G.
Protein change: p.Leu176Val; replaces leucine 176 with valine.
Molecular consequence: missense variant.
Genome position (GRCh38, 1-based): chr16:23,636,020, G>C on the plus strand (C>G on the coding strand, the complement: PALB2 is on the minus strand). VCF-style: chr16-23636020-G-C. GRCh37 (hg19) VCF-style: chr16-23647341-G-C.
Other names: short protein forms L176V.
Identifiers: ClinVar variation 530141 (VCV000530141.12), dbSNP rs1211622922, ClinGen allele CA395136964.